The following is an entry in ClinVar:

NM_001042492.3(NF1):c.4450T>A (p.Ser1484Thr)

Gene: NF1 (neurofibromin 1; plus strand). Cytogenetic location: 17q11.2.
Variant type: single nucleotide variant.
Coding change: c.4450T>A on transcript NM_001042492.3 (MANE Select); coding-DNA position 4450, T replaced by A.
Protein change: p.Ser1484Thr; replaces serine 1484 with threonine.
Molecular consequence: missense variant.
Genome position (GRCh38, 1-based): chr17:31,260,388, T>A. VCF-style: chr17-31260388-T-A. GRCh37 (hg19) VCF-style: chr17-29587406-T-A.
Other names: c.4387T>A, p.Ser1463Thr (NM_000267.4); short protein forms S1484T, S1463T.
Identifiers: ClinVar variation 2711489 (VCV002711489.3), dbSNP rs2067662922, ClinGen allele CA398999227.
Genomic context (GRCh38, chr17:31,260,388, plus strand): 5'-TATCTGGTGTTGAAAATTCTAATGACTTTGCATTTTTGAAGGTTTTTCCTTGATATAGCA[T>A]CTGATTGTCCTACAAGTGATGCAGTAAATCATAGTCTTTCCTTCATAAGTGACGGCAATG-3'
Protein context (NP_001035957.1, residues 1474-1494): AARRFFLDIA[Ser1484Thr]DCPTSDAVNH

ClinVar aggregate classification (germline): Uncertain significance (1 of 4 stars; one submission).

Conditions:
Neurofibromatosis, type 1 (NF1). Also called: Peripheral type neurofibromatosis; VON RECKLINGHAUSEN DISEASE; NEUROFIBROMATOSIS, TYPE I, SOMATIC; Neurofibromatosis, type I. Identifiers: Orphanet 636, MedGen C0027831, MONDO:0018975, OMIM 162200. Disease mechanism: loss of function.

Submission:

Labcorp Genetics (formerly Invitae), Labcorp
Classification: Uncertain significance for Neurofibromatosis, type 1. Last evaluated: 2023-06-11. Review status: criteria provided, single submitter. Criteria: Invitae Variant Classification Sherloc (09022015). Collection method: clinical testing. Allele origin: germline.
Comment: In summary, the available evidence is currently insufficient to determine the role of this variant in disease. Therefore, it has been classified as a Variant of Uncertain Significance. Advanced modeling of protein sequence and biophysical properties (such as structural, functional, and spatial information, amino acid conservation, physicochemical variation, residue mobility, and thermodynamic stability) has been performed at Invitae for this missense variant, however the output from this modeling did not meet the statistical confidence thresholds required to predict the impact of this variant on NF1 protein function. This variant has not been reported in the literature in individuals affected with NF1-related conditions. This variant is not present in population databases (gnomAD no frequency). This sequence change replaces serine, which is neutral and polar, with threonine, which is neutral and polar, at codon 1463 of the NF1 protein (p.Ser1463Thr).